The following is an entry in ClinVar:

ClinVar aggregate classification (germline): Benign. Review status: criteria provided, single submitter (1 of 4 stars). 2 submissions from 2 submitters: Benign (1). 1 of the submissions does not count toward it. Last evaluated 2025-12-31.

Conditions:
ARID1A-related disorder. Also called: ARID1A-related condition.

gnomAD v4.1: 53 of 1,234,028 alleles (0.0043%); highest among the groups gnomAD compares: Non-Finnish European, 0.0051%; no homozygotes.

Submissions (2):

Labcorp Genetics (formerly Invitae), Labcorp
Classification: Benign. Last evaluated: 2025-12-31. Review status: criteria provided, single submitter. Criteria: Invitae Variant Classification Sherloc (09022015). Collection method: clinical testing. Allele origin: germline.

PreventionGenetics, part of Exact Sciences
Classification: Likely benign for ARID1A-related condition. Last evaluated: 2023-06-08. Review status: no assertion criteria provided. Collection method: clinical testing. Allele origin: germline. Not counted in ClinVar's aggregate classification.
Comment: This variant is classified as likely benign based on ACMG/AMP sequence variant interpretation guidelines (Richards et al. 2015 PMID: 25741868, with internal and published modifications).

NM_006015.6(ARID1A):c.196C>T (p.Pro66Ser)

Gene: ARID1A (AT-rich interaction domain 1A; plus strand). Cytogenetic location: 1p36.11.
Variant type: single nucleotide variant.
Coding change: c.196C>T on transcript NM_006015.6 (MANE Select); coding-DNA position 196, C replaced by T.
Protein change: p.Pro66Ser; replaces proline 66 with serine.
Molecular consequence: missense variant.
Genome position (GRCh38, 1-based): chr1:26,696,599, C>T. VCF-style: chr1-26696599-C-T. GRCh37 (hg19) VCF-style: chr1-27023090-C-T.
Other names: c.196C>T, p.Pro66Ser (NM_139135.4); short protein forms P66S.
Identifiers: ClinVar variation 3051299 (VCV003051299.4), dbSNP rs962566886, ClinGen allele CA19640432.